The following is an entry in ClinVar:

NM_004655.4(AXIN2):c.1382G>A (p.Ser461Asn)

Gene: AXIN2 (axin 2; minus strand). Cytogenetic location: 17q24.1.
Variant type: single nucleotide variant.
Coding change: c.1382G>A on transcript NM_004655.4 (MANE Select); coding-DNA position 1382, G replaced by A.
Protein change: p.Ser461Asn; replaces serine 461 with asparagine.
Molecular consequence: missense variant.
Genome position (GRCh38, 1-based): chr17:65,537,654, C>T on the plus strand (G>A on the coding strand, the complement: AXIN2 is on the minus strand). VCF-style: chr17-65537654-C-T. GRCh37 (hg19) VCF-style: chr17-63533772-C-T.
Other names: c.1382G>A, p.Ser461Asn (NM_001363813.1); c.1382G>A (LRG_296t1); short protein forms S461N.
Identifiers: ClinVar variation 655586 (VCV000655586.8), dbSNP rs1359477325, ClinGen allele CA400677611.

ClinVar aggregate classification (germline): Uncertain significance (1 of 4 stars; one submission).

Conditions:
Oligodontia-cancer predisposition syndrome. Also called: TOOTH AGENESIS-COLORECTAL CANCER SYNDROME. Identifiers: Orphanet 300576, MedGen C1837750, MONDO:0012075, OMIM 608615. Disease mechanism: loss of function.

Allele frequency attached by ClinVar (database versions not stated): gnomAD exomes below 0.00001.
gnomAD v4.1: 1 of 1,566,958 alleles (0.000064%); highest among the groups gnomAD compares: Non-Finnish European, 0.000086%; no homozygotes.

Submission:

Labcorp Genetics (formerly Invitae), Labcorp
Classification: Uncertain significance for Oligodontia-cancer predisposition syndrome. Last evaluated: 2022-08-22. Review status: criteria provided, single submitter. Criteria: Invitae Variant Classification Sherloc (09022015). Collection method: clinical testing. Allele origin: germline.
Comment: In summary, the available evidence is currently insufficient to determine the role of this variant in disease. Therefore, it has been classified as a Variant of Uncertain Significance. Algorithms developed to predict the effect of missense changes on protein structure and function (SIFT, PolyPhen-2, Align-GVGD) all suggest that this variant is likely to be disruptive. ClinVar contains an entry for this variant (Variation ID: 655586). This variant has not been reported in the literature in individuals affected with AXIN2-related conditions. This variant is not present in population databases (gnomAD no frequency). This sequence change replaces serine, which is neutral and polar, with asparagine, which is neutral and polar, at codon 461 of the AXIN2 protein (p.Ser461Asn).